The following is an entry in ClinVar:

NM_015937.6(PIGT):c.1342C>T (p.Arg448Trp)

Gene: PIGT (phosphatidylinositol glycan anchor biosynthesis class T; plus strand). Cytogenetic location: 20q13.12.
Variant type: single nucleotide variant.
Coding change: c.1342C>T on transcript NM_015937.6 (MANE Select); coding-DNA position 1342, C replaced by T.
Protein change: p.Arg448Trp; replaces arginine 448 with tryptophan.
Molecular consequence: missense variant. On other transcripts: non-coding transcript variant (5).
Genome position (GRCh38, 1-based): chr20:45,424,323, C>T. VCF-style: chr20-45424323-C-T. GRCh37 (hg19) VCF-style: chr20-44052963-C-T.
Other names: R488W; c.1174C>T, p.Arg392Trp (NM_001184728.3); c.1141C>T, p.Arg381Trp (NM_001184729.3); c.1036C>T, p.Arg346Trp (NM_001184730.3); short protein forms R448W, R346W, R381W, R392W.
Identifiers: ClinVar variation 143194 (VCV000143194.47), dbSNP rs527236031, ClinGen allele CA170098.
Genomic context (GRCh38, chr20:45,424,323, plus strand): 5'-CTGGAGATGCTGATTCAGCTGCCGGCCAACTCAGTCACCAAGGTTTCCATCCAGTTTGAG[C>T]GGGCGCTGCTGAAGTGGACCGAGTACACGCCAGATCCTAACCATGGCTTCTATGTCAGGT-3'
Protein context (NP_057021.2, residues 438-458): SVTKVSIQFE[Arg448Trp]ALLKWTEYTP

ClinVar aggregate classification (germline): Pathogenic/Likely pathogenic. Review status: criteria provided, multiple submitters, no conflicts (2 of 4 stars). 7 submissions from 7 submitters: Pathogenic (3); Likely pathogenic (2). 2 of the submissions do not count toward it. Last evaluated 2025-12-16.

Conditions:
Multiple congenital anomalies-hypotonia-seizures syndrome 3 (MCAHS3). Also called: GLYCOSYLPHOSPHATIDYLINOSITOL BIOSYNTHESIS DEFECT 7. Identifiers: Orphanet 369837, MedGen C3809356, MONDO:0014165, OMIM 615398.

Allele frequency attached by ClinVar (database versions not stated): gnomAD exomes 0.00001 and 0.00002; ExAC 0.00002; gnomAD 0.00004; TOPMed 0.00005.
gnomAD v4.1: 28 of 1,614,058 alleles (0.0017%); highest among the groups gnomAD compares: East Asian, 0.011%; no homozygotes.

Submissions (7):

Labcorp Genetics (formerly Invitae), Labcorp
Classification: Pathogenic for Multiple congenital anomalies-hypotonia-seizures syndrome 3. Last evaluated: 2025-12-16. Review status: criteria provided, single submitter. Criteria: Invitae Variant Classification Sherloc (09022015). Collection method: clinical testing. Allele origin: germline.
Comment: This sequence change replaces arginine, which is basic and polar, with tryptophan, which is neutral and slightly polar, at codon 448 of the PIGT protein (p.Arg448Trp). This variant is present in population databases (rs527236031, gnomAD 0.01%). This missense change has been observed in individual(s) with multiple congenital anomalies-hypotonia-seizures syndrome (PMID: 24906948, 25943031). In at least one individual the data is consistent with being in trans (on the opposite chromosome) from a pathogenic variant. It has also been observed to segregate with disease in related individuals. ClinVar contains an entry for this variant (Variation ID: 143194). Invitae Evidence Modeling of protein sequence and biophysical properties (such as structural, functional, and spatial information, amino acid conservation, physicochemical variation, residue mobility, and thermodynamic stability) indicates that this missense variant is expected to disrupt PIGT protein function with a positive predictive value of 95%. For these reasons, this variant has been classified as Pathogenic.

GeneDx
Classification: Likely pathogenic. Last evaluated: 2025-06-18. Review status: criteria provided, single submitter. Criteria: GeneDx Variant Classification Process June 2021. Collection method: clinical testing. Allele origin: germline. Affected: yes.
Comment: Not observed at significant frequency in large population cohorts (gnomAD); In silico analysis supports that this missense variant has a deleterious effect on protein structure/function; This variant is associated with the following publications: (PMID: 25943031, 30976099, 35551457, 34084664, Chun2022[Case Report], 24906948, 27916860, 34046058, 35032046, 38903302, 36970549, 40141433)

3billion
Classification: Pathogenic for Multiple congenital anomalies-hypotonia-seizures syndrome 3. Last evaluated: 2021-10-02. Review status: criteria provided, single submitter. Criteria: ACMG Guidelines, 2015. Collection method: clinical testing. Allele origin: paternal. Affected: yes. Observed: 1 heterozygote.
Comment: Same nucleotide change resulting in same amino acid change has been reported to be in trans with a pathogenic variant as either compound heterozygous or homozygous in at least 2 similarly affected unrelated individuals (PMID: 24906948, 25943031, 34046058, 3billion dataset, PM3_VS). It is observed at an extremely low frequency in the gnomAD v2.1.1 dataset (total allele frequency: 0.00001776, PM2). In silico tool predictions suggest damaging effect of the variant on gene or gene product (REVEL: 0.809, 3Cnet: 0.857, PP3). Patient's phenotype is considered compatible with Multiple congenital anomalies-hypotonia-seizures syndrome 3 (3billion dataset, PP4). Therefore, this variant is classified as pathogenic according to the recommendation of ACMG/AMP guideline.

CeGaT Center for Human Genetics Tuebingen
Classification: Pathogenic. Last evaluated: 2021-06-01. Review status: criteria provided, single submitter. Criteria: CeGaT Center For Human Genetics Tuebingen Variant Classification Criteria Version 2. Collection method: clinical testing. Allele origin: germline. Affected: yes. Observed: 1 variant allele.

Neuberg Centre For Genomic Medicine, NCGM
Classification: Likely pathogenic for Multiple congenital anomalies-hypotonia-seizures syndrome 3. Review status: criteria provided, single submitter. Criteria: ACMG Guidelines, 2015. Collection method: clinical testing. Allele origin: germline. Inheritance: Autosomal recessive inheritance. Affected: yes.
Comment: The missense variant c.1342C>T (p.Arg448Trp) in PIGT gene has been observed to segregate with multiple congenital anomalies-hypotonia-seizures syndrome in a family(Nakashima M et.al.,2014). This variant has been reported to the ClinVar database as Likely Pathogenic. The p.Arg448Trp variant is novel (not in any individuals) in 1000 Genomes and allele frequency of 0.001776% is reported in gnomAD. The amino acid Arg at position 448 is changed to a Trp changing protein sequence and it might alter its composition and physico-chemical properties. The variant is predicted to be damaging by both SIFT and PolyPhen2. The residue is conserved across species. The amino acid change p.Arg448Trp in PIGT is predicted as conserved by GERP++ and PhyloP across 100 vertebrates. For these reasons, this variant has been classified as Likely Pathogenic.

OMIM
Classification: Pathogenic for MULTIPLE CONGENITAL ANOMALIES-HYPOTONIA-SEIZURES SYNDROME 3. Last evaluated: 2016-04-25. Review status: no assertion criteria provided. Collection method: literature only. Allele origin: germline. Not counted in ClinVar's aggregate classification.

Undiagnosed Diseases Program Translational Research Laboratory, National Institutes of Health
Classification: Pathogenic for Multiple congenital anomalies-hypotonia-seizures syndrome 3. Review status: no assertion criteria provided. Collection method: not provided. Allele origin: inherited. Not counted in ClinVar's aggregate classification.
ClinVar note: Converted during submission from pathogenic to Pathogenic.

Literature cited by the submitters: PubMed 24906948 (cited by 3 submitters); PubMed 25943031 (cited by Labcorp Genetics (formerly Invitae), Labcorp and 3billion); PubMed 34046058 (cited by 3billion).